The following is an entry in ClinVar:

ClinVar aggregate classification (germline): Uncertain significance (1 of 4 stars; one submission).

Allele frequency attached by ClinVar (database versions not stated): TOPMed below 0.00001.
gnomAD v4.1: 1 of 1,614,054 alleles (0.000062%); highest among the groups gnomAD compares: Non-Finnish European, 0.000085%; no homozygotes.

Submission:

Labcorp Genetics (formerly Invitae), Labcorp
Classification: Uncertain significance. Last evaluated: 2021-11-11. Review status: criteria provided, single submitter. Criteria: Invitae Variant Classification Sherloc (09022015). Collection method: clinical testing. Allele origin: germline.
Comment: This variant has not been reported in the literature in individuals affected with DSCAML1-related conditions. In summary, the available evidence is currently insufficient to determine the role of this variant in disease. Therefore, it has been classified as a Variant of Uncertain Significance. Algorithms developed to predict the effect of missense changes on protein structure and function are either unavailable or do not agree on the potential impact of this missense change (SIFT: "Deleterious"; PolyPhen-2: "Probably Damaging"; Align-GVGD: "Class C0"). This variant is not present in population databases (gnomAD no frequency). This sequence change replaces valine, which is neutral and non-polar, with glycine, which is neutral and non-polar, at codon 226 of the DSCAML1 protein (p.Val226Gly).

NM_020693.4(DSCAML1):c.497T>G (p.Val166Gly)

Gene: DSCAML1 (DS cell adhesion molecule like 1; minus strand). Cytogenetic location: 11q23.3.
Variant type: single nucleotide variant.
Coding change: c.497T>G on transcript NM_020693.4 (MANE Select); coding-DNA position 497, T replaced by G.
Protein change: p.Val166Gly; replaces valine 166 with glycine.
Molecular consequence: missense variant.
Genome position (GRCh38, 1-based): chr11:117,776,805, A>C on the plus strand (T>G on the coding strand, the complement: DSCAML1 is on the minus strand). VCF-style: chr11-117776805-A-C. GRCh37 (hg19) VCF-style: chr11-117647520-A-C.
Other names: c.497T>G, p.Val166Gly (NM_001367904.1); c.89T>G, p.Val30Gly (NM_001367905.1); short protein forms V166G, V30G.
Identifiers: ClinVar variation 1503015 (VCV001503015.6), dbSNP rs2055136340, ClinGen allele CA382758206.